The following is an entry in ClinVar:

ClinVar aggregate classification (germline): Uncertain significance (1 of 4 stars; one submission).

Conditions:
POLD1-related polyposis and colorectal cancer syndrome (CRCS10). Also called: Colorectal cancer 10; COLORECTAL CANCER, SUSCEPTIBILITY TO, ON CHROMOSOME 19q; Colorectal cancer, susceptibility to, 10. Identifiers: Orphanet 220460, MedGen C2675481, MONDO:0012953, OMIM 612591.

Submission:

Labcorp Genetics (formerly Invitae), Labcorp
Classification: Uncertain significance for POLD1-related polyposis and colorectal cancer syndrome. Last evaluated: 2024-11-19. Review status: criteria provided, single submitter. Criteria: Invitae Variant Classification Sherloc (09022015). Collection method: clinical testing. Allele origin: germline.
Comment: This sequence change replaces arginine, which is basic and polar, with proline, which is neutral and non-polar, at codon 1074 of the POLD1 protein (p.Arg1074Pro). This variant is not present in population databases (gnomAD no frequency). This variant has not been reported in the literature in individuals affected with POLD1-related conditions. ClinVar contains an entry for this variant (Variation ID: 847845). An algorithm developed to predict the effect of missense changes on protein structure and function (PolyPhen-2) suggests that this variant is likely to be disruptive. In summary, the available evidence is currently insufficient to determine the role of this variant in disease. Therefore, it has been classified as a Variant of Uncertain Significance.

NM_002691.4(POLD1):c.3221G>C (p.Arg1074Pro)

Gene: POLD1 (DNA polymerase delta 1, catalytic subunit; plus strand). Cytogenetic location: 19q13.33.
Variant type: single nucleotide variant.
Coding change: c.3221G>C on transcript NM_002691.4 (MANE Select); coding-DNA position 3221, G replaced by C.
Protein change: p.Arg1074Pro; replaces arginine 1074 with proline.
Molecular consequence: missense variant. On other transcripts: non-coding transcript variant (1).
Genome position (GRCh38, 1-based): chr19:50,417,844, G>C. VCF-style: chr19-50417844-G-C. GRCh37 (hg19) VCF-style: chr19-50921101-G-C.
Other names: c.3221G>C, p.Arg1074Pro (NM_001256849.1); c.3299G>C, p.Arg1100Pro (NM_001308632.1); short protein forms R1100P, R1074P.
Identifiers: ClinVar variation 847845 (VCV000847845.9), dbSNP rs541931950, ClinGen allele CA406987665.